The following is an entry in ClinVar:

NM_033310.3(KCNK4):c.760G>C (p.Gly254Arg)

Genes: KCNK4 (potassium two pore domain channel subfamily K member 4; plus strand), KCNK4-CATSPERZ (KCNK4-CATSPERZ readthrough (NMD candidate); plus strand). Cytogenetic location: 11q13.1.
Variant type: single nucleotide variant.
Coding change: c.760G>C on transcript NM_033310.3 (MANE Select); coding-DNA position 760, G replaced by C.
Protein change: p.Gly254Arg; replaces glycine 254 with arginine.
Molecular consequence: missense variant. On other transcripts: non-coding transcript variant (3).
Genome position (GRCh38, 1-based): chr11:64,298,208, G>C. VCF-style: chr11-64298208-G-C. GRCh37 (hg19) VCF-style: chr11-64065680-G-C.
Other names: c.760G>C, p.Gly254Arg (NM_001317090.2, NM_033311.1); short protein forms G254R.
Identifiers: ClinVar variation 2428906 (VCV002428906.3), dbSNP rs777868070, ClinGen allele CA381066349.

ClinVar aggregate classification (germline): Uncertain significance (1 of 4 stars; one submission).

Submission:

GeneDx
Classification: Uncertain significance. Last evaluated: 2022-07-31. Review status: criteria provided, single submitter. Criteria: GeneDx Variant Classification Process June 2021. Collection method: clinical testing. Allele origin: germline. Affected: yes.
Comment: Not observed at significant frequency in large population cohorts (gnomAD); In silico analysis supports that this missense variant has a deleterious effect on protein structure/function; Has not been previously published as pathogenic or benign to our knowledge